The following is an entry in ClinVar:

NM_006361.6(HOXB13):c.799C>G (p.Arg267Gly)

Gene: HOXB13 (homeobox B13; minus strand). Cytogenetic location: 17q21.32.
Variant type: single nucleotide variant.
Coding change: c.799C>G on transcript NM_006361.6 (MANE Select); coding-DNA position 799, C replaced by G.
Protein change: p.Arg267Gly; replaces arginine 267 with glycine.
Molecular consequence: missense variant.
Genome position (GRCh38, 1-based): chr17:48,726,846, G>C on the plus strand (C>G on the coding strand, the complement: HOXB13 is on the minus strand). VCF-style: chr17-48726846-G-C. GRCh37 (hg19) VCF-style: chr17-46804208-G-C.
Other names: short protein forms R267G.
Identifiers: ClinVar variation 827375 (VCV000827375.14), dbSNP rs778197145, ClinGen allele CA400105598.

ClinVar aggregate classification (germline): Uncertain significance. Review status: criteria provided, multiple submitters, no conflicts (2 of 4 stars). 3 submissions from 3 submitters: Uncertain significance (3). Last evaluated 2026-01-13.

Conditions:
Hereditary cancer-predisposing syndrome. Also called: Neoplastic Syndromes, Hereditary; Tumor predisposition; Hereditary neoplastic syndrome; Hereditary Cancer Syndrome. Identifiers: Orphanet 140162, MedGen C0027672, MeSH D009386, MONDO:0015356.

Allele frequency attached by ClinVar (database versions not stated): gnomAD 0.00001; TOPMed 0.00002.
gnomAD v4.1: 4 of 1,614,022 alleles (0.00025%); highest among the groups gnomAD compares: Non-Finnish European, 0.00025%; no homozygotes.

Submissions (3):

Labcorp Genetics (formerly Invitae), Labcorp
Classification: Uncertain significance. Last evaluated: 2026-01-13. Review status: criteria provided, single submitter. Criteria: Invitae Variant Classification Sherloc (09022015). Collection method: clinical testing. Allele origin: germline.
Comment: This sequence change replaces arginine, which is basic and polar, with glycine, which is neutral and non-polar, at codon 267 of the HOXB13 protein (p.Arg267Gly). This variant is not present in population databases (gnomAD no frequency). This variant has not been reported in the literature in individuals affected with HOXB13-related conditions. ClinVar contains an entry for this variant (Variation ID: 827375). Invitae Evidence Modeling of protein sequence and biophysical properties (such as structural, functional, and spatial information, amino acid conservation, physicochemical variation, residue mobility, and thermodynamic stability) indicates that this missense variant is expected to disrupt HOXB13 protein function with a positive predictive value of 80%. In summary, the available evidence is currently insufficient to determine the role of this variant in disease. Therefore, it has been classified as a Variant of Uncertain Significance.

Ambry Genetics
Classification: Uncertain significance for Hereditary cancer-predisposing syndrome. Last evaluated: 2025-03-22. Review status: criteria provided, single submitter. Criteria: Ambry Variant Classification Scheme 2023. Collection method: clinical testing. Allele origin: germline.
Comment: The p.R267G variant (also known as c.799C>G), located in coding exon 2 of the HOXB13 gene, results from a C to G substitution at nucleotide position 799. The arginine at codon 267 is replaced by glycine, an amino acid with dissimilar properties. This amino acid position is highly conserved in available vertebrate species. In addition, this alteration is predicted to be deleterious by in silico analysis. Since supporting evidence is limited at this time, the clinical significance of this alteration remains unclear.

GeneDx
Classification: Uncertain significance. Last evaluated: 2024-05-01. Review status: criteria provided, single submitter. Criteria: GeneDx Variant Classification Process June 2021. Collection method: clinical testing. Allele origin: germline. Affected: yes.
Comment: Not observed at significant frequency in large population cohorts (gnomAD); In silico analysis supports that this missense variant has a deleterious effect on protein structure/function; Has not been previously published as pathogenic or benign to our knowledge; This variant is associated with the following publications: (PMID: 19389631, 8756292)